The following is an entry in ClinVar:

ClinVar aggregate classification (germline): Benign/Likely benign. Review status: criteria provided, multiple submitters, no conflicts (2 of 4 stars). 5 submissions from 5 submitters: Benign (2); Likely benign (2). 1 of the submissions does not count toward it. Last evaluated 2026-06-01.

Conditions:
MAPT-related disorder. Also called: MAPT-Related Disorders; MAPT-related condition.
Frontotemporal dementia (FTD1). Also called: Frontotemporal lobe dementia (FLDEM); FRONTOTEMPORAL LOBAR DEGENERATION WITH TAU INCLUSIONS; FTLD WITH TAU INCLUSIONS; WILHELMSEN-LYNCH DISEASE; Dementia, frontotemporal, with or without parkinsonism; Frontotemporal Dementia with Parkinsonism-17 (FTDP-17). Identifiers: Orphanet 282, MedGen C0338451, MONDO:0017276, OMIM 600274, HP:0002145.

Allele frequency attached by ClinVar (database versions not stated): ESP Exome Variant Server 0.00093; gnomAD 0.00112; TOPMed 0.00120; 1000 Genomes Project 30x 0.00312; 1000 Genomes Project 0.00339.
gnomAD v4.1: 415 of 1,611,928 alleles (0.026%); highest among the groups gnomAD compares: African/African-American, 0.36%; 1 homozygote.

Submissions (5):

CeGaT Center for Human Genetics Tuebingen
Classification: Likely benign. Last evaluated: 2026-06-01. Review status: criteria provided, single submitter. Criteria: CeGaT Center For Human Genetics Tuebingen Variant Classification Criteria Version 2. Collection method: clinical testing. Allele origin: germline. Affected: yes. Observed: 3 variant alleles.
Comment: MAPT: BP4, BP7

Blueprint Genetics
Classification: Likely benign. Last evaluated: 2024-10-15. Review status: criteria provided, single submitter. Criteria: ACMG Guidelines, 2015. Collection method: clinical testing. Allele origin: germline.

GeneDx
Classification: Benign. Last evaluated: 2021-07-16. Review status: criteria provided, single submitter. Criteria: GeneDx Variant Classification Process June 2021. Collection method: clinical testing. Allele origin: germline. Affected: yes.

Labcorp Genetics (formerly Invitae), Labcorp
Classification: Benign for Frontotemporal dementia. Last evaluated: 2019-12-31. Review status: criteria provided, single submitter. Criteria: Invitae Variant Classification Sherloc (09022015). Collection method: clinical testing. Allele origin: germline.

PreventionGenetics, part of Exact Sciences
Classification: Likely benign for MAPT-related condition. Last evaluated: 2019-06-13. Review status: no assertion criteria provided. Collection method: clinical testing. Allele origin: germline. Not counted in ClinVar's aggregate classification.
Comment: This variant is classified as likely benign based on ACMG/AMP sequence variant interpretation guidelines (Richards et al. 2015 PMID: 25741868, with internal and published modifications).

NM_001377265.1(MAPT):c.912C>G (p.Pro304=)

Gene: MAPT (microtubule associated protein tau). Cytogenetic location: 17q21.31.
Variant type: single nucleotide variant.
Coding change: c.912C>G on transcript NM_001377265.1 (MANE Select); coding-DNA position 912, C replaced by G.
Protein change: p.Pro304=; no amino-acid change (proline 304 retained).
Molecular consequence: synonymous variant. On other transcripts: intron variant (8).
Genome position (GRCh38, 1-based): chr17:45,983,491, C>G. VCF-style: chr17-45983491-C-G. GRCh37 (hg19) VCF-style: chr17-44060857-C-G.
Other names: c.687C>G (NM_001123066.3); c.687C>G, p.Pro229= (NM_001123066.4, NM_016835.5); c.912C>G, p.Pro304= (NM_001377266.1); c.200-3549C>G (NM_001377268.1, NM_016834.5, NM_016841.5); c.374-3549C>G (NM_005910.6, NM_001203252.2); c.287-3549C>G (NM_001123067.4, NM_001203251.2, NM_001377267.1).
Identifiers: ClinVar variation 703938 (VCV000703938.36), dbSNP rs142327009, ClinGen allele CA8617729.
Genomic context (GRCh38, chr17:45,983,491, plus strand): 5'-AGAGAGGCCGGGGAGCAAGGAGGAGGTGGATGAAGACCGCGACGTCGATGAGTCCTCCCC[C>G]CAAGACTCCCCTCCCTCCAAGGCCTCCCCAGCCCAAGATGGGCGGCCTCCCCAGACAGCC-3'
Protein context (NP_001364194.1, residues 294-314): DEDRDVDESS[Pro304=]QDSPPSKASP